The following is an entry in ClinVar:

NM_006231.4(POLE):c.2831C>A (p.Ala944Asp)

Gene: POLE (DNA polymerase epsilon, catalytic subunit; minus strand). Cytogenetic location: 12q24.33.
Variant type: single nucleotide variant.
Coding change: c.2831C>A on transcript NM_006231.4 (MANE Select); coding-DNA position 2831, C replaced by A.
Protein change: p.Ala944Asp; replaces alanine 944 with aspartic acid.
Molecular consequence: missense variant.
Genome position (GRCh38, 1-based): chr12:132,661,560, G>T on the plus strand (C>A on the coding strand, the complement: POLE is on the minus strand). VCF-style: chr12-132661560-G-T. GRCh37 (hg19) VCF-style: chr12-133238146-G-T.
Other names: short protein forms A944D.
Identifiers: ClinVar variation 3422112 (VCV003422112.1).

ClinVar aggregate classification (germline): Uncertain significance (1 of 4 stars; one submission).

Conditions:
Hereditary cancer-predisposing syndrome. Also called: Neoplastic Syndromes, Hereditary; Tumor predisposition; Hereditary Cancer Syndrome; Hereditary neoplastic syndrome. Identifiers: Orphanet 140162, MedGen C0027672, MeSH D009386, MONDO:0015356.

Submission:

Ambry Genetics
Classification: Uncertain significance for Hereditary cancer-predisposing syndrome. Last evaluated: 2024-07-11. Review status: criteria provided, single submitter. Criteria: Ambry Variant Classification Scheme 2023. Collection method: clinical testing. Allele origin: germline.
Comment: The p.A944D variant (also known as c.2831C>A), located in coding exon 24 of the POLE gene, results from a C to A substitution at nucleotide position 2831. The alanine at codon 944 is replaced by aspartic acid, an amino acid with dissimilar properties. This amino acid position is conserved. In addition, this alteration is predicted to be deleterious by in silico analysis. Based on the available evidence, the clinical significance of this variant remains unclear.